The following is an entry in ClinVar:

NM_001145715.3(KPNA7):c.964A>G (p.Ile322Val)

Gene: KPNA7 (karyopherin subunit alpha 7; minus strand). Cytogenetic location: 7q22.1.
Variant type: single nucleotide variant.
Coding change: c.964A>G on transcript NM_001145715.3 (MANE Select); coding-DNA position 964, A replaced by G.
Protein change: p.Ile322Val; replaces isoleucine 322 with valine.
Molecular consequence: missense variant.
Genome position (GRCh38, 1-based): chr7:99,185,099, T>C on the plus strand (A>G on the coding strand, the complement: KPNA7 is on the minus strand). VCF-style: chr7-99185099-T-C. GRCh37 (hg19) VCF-style: chr7-98782722-T-C.
Other names: short protein forms I322V.
Identifiers: ClinVar variation 650667 (VCV000650667.6), dbSNP rs1372178436, ClinGen allele CA368419419.
Genomic context (GRCh38, chr7:99,185,099, plus strand): 5'-GGATGGAGGGCTTGTTGTGTTGCAGGAGCTGGGGGAGCACGTTCAGCATACCCGCATCAA[T>C]GGCCATCTGCGTCTGCTCATCTGTGCCCGTGACAATGTTCCCCACGGTGCGGAGAGAAGG-3'
Protein context (NP_001139187.1, residues 312-332): TGTDEQTQMA[Ile322Val]DAGMLNVLPQ

ClinVar aggregate classification (germline): Uncertain significance (1 of 4 stars; one submission).

Allele frequency attached by ClinVar (database versions not stated): gnomAD exomes 0.00001.
gnomAD v4.1: 1 of 1,552,002 alleles (0.000064%); no homozygotes.

Submission:

Labcorp Genetics (formerly Invitae), Labcorp
Classification: Uncertain significance. Last evaluated: 2021-08-28. Review status: criteria provided, single submitter. Criteria: Invitae Variant Classification Sherloc (09022015). Collection method: clinical testing. Allele origin: germline.
Comment: This sequence change replaces isoleucine with valine at codon 322 of the KPNA7 protein (p.Ile322Val). The isoleucine residue is highly conserved and there is a small physicochemical difference between isoleucine and valine. This variant is not present in population databases (ExAC no frequency). This variant has not been reported in the literature in individuals affected with KPNA7-related conditions. Algorithms developed to predict the effect of missense changes on protein structure and function (SIFT, PolyPhen-2, Align-GVGD) all suggest that this variant is likely to be disruptive. In summary, the available evidence is currently insufficient to determine the role of this variant in disease. Therefore, it has been classified as a Variant of Uncertain Significance.